The following is an entry in ClinVar:

NM_001010867.4(IBA57):c.206T>C (p.Phe69Ser)

Gene: IBA57 (iron-sulfur cluster assembly factor IBA57; plus strand). Cytogenetic location: 1q42.13.
Variant type: single nucleotide variant.
Coding change: c.206T>C on transcript NM_001010867.4 (MANE Select); coding-DNA position 206, T replaced by C.
Protein change: p.Phe69Ser; replaces phenylalanine 69 with serine.
Molecular consequence: missense variant.
Genome position (GRCh38, 1-based): chr1:228,166,022, T>C. VCF-style: chr1-228166022-T-C. GRCh37 (hg19) VCF-style: chr1-228353723-T-C.
Other names: short protein forms F69S.
Identifiers: ClinVar variation 541312 (VCV000541312.5), dbSNP rs778284446, ClinGen allele CA38736558.

ClinVar aggregate classification (germline): Uncertain significance (1 of 4 stars; one submission).

Conditions:
Multiple mitochondrial dysfunctions syndrome 3 (MMDS3). Identifiers: Orphanet 363424, MedGen C3809165, MONDO:0014132, OMIM 615330.
Hereditary spastic paraplegia 74. Also called: Spastic paraplegia 74, autosomal recessive. Identifiers: Orphanet 468661, MedGen C5568837, MONDO:0014644, OMIM 616451.

Allele frequency attached by ClinVar (database versions not stated): gnomAD 0.00001 and 0.00002; TOPMed 0.00001; gnomAD exomes 0.00003.

Submission:

Labcorp Genetics (formerly Invitae), Labcorp
Classification: Uncertain significance for Multiple mitochondrial dysfunctions syndrome 3; Hereditary spastic paraplegia 74. Last evaluated: 2021-11-05. Review status: criteria provided, single submitter. Criteria: Invitae Variant Classification Sherloc (09022015). Collection method: clinical testing. Allele origin: germline.
Comment: In summary, the available evidence is currently insufficient to determine the role of this variant in disease. Therefore, it has been classified as a Variant of Uncertain Significance. Algorithms developed to predict the effect of missense changes on protein structure and function are either unavailable or do not agree on the potential impact of this missense change (SIFT: "Deleterious"; PolyPhen-2: "Probably Damaging"; Align-GVGD: "Class C0"). ClinVar contains an entry for this variant (Variation ID: 541312). This variant has not been reported in the literature in individuals affected with IBA57-related conditions. The frequency data for this variant in the population databases is considered unreliable, as metrics indicate poor data quality at this position in the gnomAD database. This sequence change replaces phenylalanine, which is neutral and non-polar, with serine, which is neutral and polar, at codon 69 of the IBA57 protein (p.Phe69Ser).